The following is an entry in ClinVar:

NC_000016.9:g.(?_75579704)_(75590169_?)dup

Gene: TMEM231 (transmembrane protein 231; minus strand). Cytogenetic location: 16q23.1.
Variant type: Duplication.
Identifiers: ClinVar variation 2423619 (VCV002423619.4).

ClinVar aggregate classification (germline): Uncertain significance (1 of 4 stars; one submission).

Conditions:
Joubert syndrome 20 (JBTS20). Identifiers: Orphanet 475, MedGen C3554235, MONDO:0013994, OMIM 614970.
Meckel syndrome, type 11 (MKS11). Identifiers: Orphanet 564, MedGen C3809352, MONDO:0014164, OMIM 615397.

Submission:

Labcorp Genetics (formerly Invitae), Labcorp
Classification: Uncertain significance for Joubert syndrome 20; Meckel syndrome, type 11. Last evaluated: 2022-02-17. Review status: criteria provided, single submitter. Criteria: Invitae Variant Classification Sherloc (09022015). Collection method: clinical testing. Allele origin: germline.
Comment: In summary, the available evidence is currently insufficient to determine the role of this variant in disease. Therefore, it has been classified as a Variant of Uncertain Significance. This variant has not been reported in the literature in individuals affected with TMEM231-related conditions. This variant results in a copy number gain of the genomic region encompassing exon(s) 1-2 of the TMEM231 gene. This region includes the initiator codon of the gene. This copy number gain extends beyond the assayed region for this gene and therefore may encompass additional genes. As the precise location of this event is unknown, it may be in tandem or it may be located elsewhere in the genome.